The following is an entry in ClinVar:

ClinVar aggregate classification (germline): Likely benign. Review status: criteria provided, multiple submitters, no conflicts (2 of 4 stars). 4 submissions from 4 submitters: Likely benign (4). Last evaluated 2025-07-16.

Conditions:
Cardiovascular phenotype. Identifiers: MedGen CN230736.
Dilated cardiomyopathy 1DD (CMD1DD). Identifiers: Orphanet 154, MedGen C2750995, MONDO:0013168, OMIM 613172.

Allele frequency attached by ClinVar (database versions not stated): TOPMed 0.00002; gnomAD 0.00004.
gnomAD v4.1: 15 of 1,551,638 alleles (0.00097%); highest among the groups gnomAD compares: Non-Finnish European, 0.0012%; no homozygotes.

Submissions (4):

Labcorp Genetics (formerly Invitae), Labcorp
Classification: Likely benign for Dilated cardiomyopathy 1DD. Last evaluated: 2025-07-16. Review status: criteria provided, single submitter. Criteria: Invitae Variant Classification Sherloc (09022015). Collection method: clinical testing. Allele origin: germline.

Ambry Genetics
Classification: Likely benign for Cardiovascular phenotype. Last evaluated: 2023-03-13. Review status: criteria provided, single submitter. Criteria: Ambry Variant Classification Scheme 2023. Collection method: clinical testing. Allele origin: germline.

GeneDx
Classification: Likely benign. Last evaluated: 2015-12-09. Review status: criteria provided, single submitter. Criteria: GeneDx Variant Classification (06012015). Collection method: clinical testing. Allele origin: germline. Affected: yes.
Comment: This variant is considered likely benign or benign based on one or more of the following criteria: it is a conservative change, it occurs at a poorly conserved position in the protein, it is predicted to be benign by multiple in silico algorithms, and/or has population frequency not consistent with disease.

Laboratory for Molecular Medicine, Mass General Brigham Personalized Medicine
Classification: Likely benign. Last evaluated: 2014-02-06. Review status: criteria provided, single submitter. Criteria: LMM Criteria. Collection method: clinical testing. Allele origin: germline. Observed: 1 variant allele.
Comment: Asn121Asn in exon 2 of RBM20: It is not expected to have clinical significance b ecause it does not alter an amino acid residue and is not located within the spl ice consensus sequence. Asn121Asn in exon 2 of RBM20 (allele frequency = n/a)

NM_001134363.3(RBM20):c.363C>T (p.Asn121=)

Gene: RBM20 (RNA binding motif protein 20; plus strand). Cytogenetic location: 10q25.2.
Variant type: single nucleotide variant.
Coding change: c.363C>T on transcript NM_001134363.3 (MANE Select); coding-DNA position 363, C replaced by T.
Protein change: p.Asn121=; no amino-acid change (asparagine 121 retained).
Molecular consequence: synonymous variant.
Genome position (GRCh38, 1-based): chr10:110,780,972, C>T. VCF-style: chr10-110780972-C-T. GRCh37 (hg19) VCF-style: chr10-112540730-C-T.
Identifiers: ClinVar variation 179531 (VCV000179531.11), dbSNP rs727504930, ClinGen allele CA184615.
Genomic context (GRCh38, chr10:110,780,972, plus strand): 5'-CCGGCTGAAGCTGGCACAGACAGCTGTCACCAACAACACTGCAGCCGCCACAGTCCTGAA[C>T]CAAGTCCTCTCCAAAGTGGCCATGTCCCAGCCTCTCTTCAATCAACTGAGGCATCCGTCT-3'
Protein context (NP_001127835.2, residues 111-131): TNNTAAATVL[Asn121=]QVLSKVAMSQ